The following is an entry in ClinVar:

NM_005157.6(ABL1):c.136G>A (p.Ala46Thr)

Genes: ABL1 (ABL proto-oncogene 1, non-receptor tyrosine kinase; plus strand), LOC107980440 (ABL breakpoint recombination region; plus strand). Cytogenetic location: 9q34.12.
Variant type: single nucleotide variant.
Coding change: c.136G>A on transcript NM_005157.6 (MANE Select); coding-DNA position 136, G replaced by A.
Protein change: p.Ala46Thr; replaces alanine 46 with threonine.
Molecular consequence: missense variant.
Genome position (GRCh38, 1-based): chr9:130,854,120, G>A. VCF-style: chr9-130854120-G-A. GRCh37 (hg19) VCF-style: chr9-133729507-G-A.
Other names: c.193G>A, p.Ala65Thr (NM_007313.3); short protein forms A65T, A46T.
Identifiers: ClinVar variation 2906897 (VCV002906897.3), dbSNP rs1318764515, ClinGen allele CA375256527.

ClinVar aggregate classification (germline): Uncertain significance (1 of 4 stars; one submission).

Allele frequency attached by ClinVar (database versions not stated): gnomAD exomes below 0.00001; gnomAD 0.00001; TOPMed 0.00001.
gnomAD v4.1: 9 of 1,613,928 alleles (0.00056%); highest among the groups gnomAD compares: Non-Finnish European, 0.00059%; no homozygotes.

Submission:

Labcorp Genetics (formerly Invitae), Labcorp
Classification: Uncertain significance. Last evaluated: 2023-11-25. Review status: criteria provided, single submitter. Criteria: Invitae Variant Classification Sherloc (09022015). Collection method: clinical testing. Allele origin: germline.
Comment: This sequence change replaces alanine, which is neutral and non-polar, with threonine, which is neutral and polar, at codon 65 of the ABL1 protein (p.Ala65Thr). This variant is present in population databases (no rsID available, gnomAD no frequency). This variant has not been reported in the literature in individuals affected with ABL1-related conditions. Advanced modeling of protein sequence and biophysical properties (such as structural, functional, and spatial information, amino acid conservation, physicochemical variation, residue mobility, and thermodynamic stability) performed at Invitae indicates that this missense variant is not expected to disrupt ABL1 protein function with a negative predictive value of 80%. In summary, the available evidence is currently insufficient to determine the role of this variant in disease. Therefore, it has been classified as a Variant of Uncertain Significance.